The following is an entry in ClinVar:

ClinVar aggregate classification (germline): Uncertain significance (1 of 4 stars; one submission).

Submission:

GeneDx
Classification: Uncertain significance. Last evaluated: 2023-11-09. Review status: criteria provided, single submitter. Criteria: GeneDx Variant Classification Process June 2021. Collection method: clinical testing. Allele origin: germline. Affected: yes.
Comment: Not observed at significant frequency in large population cohorts (gnomAD); In silico analysis supports that this missense variant has a deleterious effect on protein structure/function; Has not been previously published as pathogenic or benign to our knowledge

NM_001377265.1(MAPT):c.2186T>C (p.Val729Ala)

Gene: MAPT (microtubule associated protein tau). Cytogenetic location: 17q21.31.
Variant type: single nucleotide variant.
Coding change: c.2186T>C on transcript NM_001377265.1 (MANE Select); coding-DNA position 2186, T replaced by C.
Protein change: p.Val729Ala; replaces valine 729 with alanine.
Molecular consequence: missense variant. On other transcripts: non-coding transcript variant (1), intron variant (1).
Genome position (GRCh38, 1-based): chr17:46,018,630, T>C. VCF-style: chr17-46018630-T-C. GRCh37 (hg19) VCF-style: chr17-44095996-T-C.
Other names: c.2015T>C, p.Val672Ala (NM_001123066.4); c.923T>C, p.Val308Ala (NM_001123067.4); c.830T>C, p.Val277Ala (NM_001203251.2); c.917T>C, p.Val306Ala (NM_001203252.2); c.1895T>C, p.Val632Ala (NM_001377266.1); c.743T>C, p.Val248Ala (NM_001377268.1, NM_016841.5); c.1010T>C, p.Val337Ala (NM_005910.6); c.836T>C, p.Val279Ala (NM_016834.5); and 2 more; short protein forms V248A, V277A, V279A, V306A, V308A, V337A, V632A, V654A.
Identifiers: ClinVar variation 3363784 (VCV003363784.1).